The following is an entry in ClinVar:

ClinVar aggregate classification (germline): Uncertain significance (1 of 4 stars; one submission).

Conditions:
Spinocerebellar ataxia type 19/22 (SCA19). Also called: SPINOCEREBELLAR ATAXIA 19; SPINOCEREBELLAR ATAXIA 22. Identifiers: Orphanet 98772, MedGen C1846367, MONDO:0011819, OMIM 607346.

gnomAD v4.1: 1 of 1,613,928 alleles (0.000062%); highest among the groups gnomAD compares: Non-Finnish European, 0.000085%; no homozygotes.

Submission:

Labcorp Genetics (formerly Invitae), Labcorp
Classification: Uncertain significance for Spinocerebellar ataxia type 19/22. Last evaluated: 2021-06-01. Review status: criteria provided, single submitter. Criteria: Invitae Variant Classification Sherloc (09022015). Collection method: clinical testing. Allele origin: germline.
Comment: In summary, the available evidence is currently insufficient to determine the role of this variant in disease. Therefore, it has been classified as a Variant of Uncertain Significance. Algorithms developed to predict the effect of missense changes on protein structure and function are either unavailable or do not agree on the potential impact of this missense change (SIFT: "Deleterious"; PolyPhen-2: "Benign"; Align-GVGD: "Class C55"). This variant has not been reported in the literature in individuals with KCND3-related conditions. This variant is not present in population databases (ExAC no frequency). This sequence change replaces valine with alanine at codon 184 of the KCND3 protein (p.Val184Ala). The valine residue is highly conserved and there is a small physicochemical difference between valine and alanine.

NM_001378969.1(KCND3):c.551T>C (p.Val184Ala)

Gene: KCND3 (potassium voltage-gated channel subfamily D member 3; minus strand). Cytogenetic location: 1p13.2.
Variant type: single nucleotide variant.
Coding change: c.551T>C on transcript NM_001378969.1 (MANE Select); coding-DNA position 551, T replaced by C.
Protein change: p.Val184Ala; replaces valine 184 with alanine.
Molecular consequence: missense variant.
Genome position (GRCh38, 1-based): chr1:111,982,176, A>G on the plus strand (T>C on the coding strand, the complement: KCND3 is on the minus strand). VCF-style: chr1-111982176-A-G. GRCh37 (hg19) VCF-style: chr1-112524798-A-G.
Other names: c.551T>C, p.Val184Ala (NM_001378970.1, NM_004980.5, NM_172198.3); short protein forms V184A.
Identifiers: ClinVar variation 1427427 (VCV001427427.8), dbSNP rs2101997398, ClinGen allele CA341821883.
Genomic context (GRCh38, chr1:111,982,176, plus strand): 5'-GTCTCCACCACGTTGGTGATGACCGAGACAGCGATGAAGAAGCCAGTCACGTAGTAGAAG[A>G]CCAGGGCCAGCGTGCTGGTGTGGGGGTTCTCGAAGGCCCGCCACATGGTCTGGCGGAAGC-3'
Protein context (NP_001365898.1, residues 174-194): ENPHTSTLAL[Val184Ala]FYYVTGFFIA